The following is an entry in ClinVar:

NM_001003800.2(BICD2):c.1617C>G (p.His539Gln)

Gene: BICD2 (BICD cargo adaptor 2; minus strand). Cytogenetic location: 9q22.31.
Variant type: single nucleotide variant.
Coding change: c.1617C>G on transcript NM_001003800.2 (MANE Select); coding-DNA position 1617, C replaced by G.
Protein change: p.His539Gln; replaces histidine 539 with glutamine.
Molecular consequence: missense variant.
Genome position (GRCh38, 1-based): chr9:92,719,028, G>C on the plus strand (C>G on the coding strand, the complement: BICD2 is on the minus strand). VCF-style: chr9-92719028-G-C. GRCh37 (hg19) VCF-style: chr9-95481310-G-C.
Other names: c.1617C>G, p.His539Gln (NM_015250.4); short protein forms H539Q.
Identifiers: ClinVar variation 1705199 (VCV001705199.4), dbSNP rs1048333844, ClinGen allele CA374036745.

ClinVar aggregate classification (germline): Uncertain significance. Review status: criteria provided, multiple submitters, no conflicts (2 of 4 stars). 2 submissions from 2 submitters: Uncertain significance (2). Last evaluated 2024-02-23.

Conditions:
Autosomal dominant childhood-onset proximal spinal muscular atrophy with contractures (SMALED2A). Also called: Spinal muscular atrophy, lower extremity-predominant, 2A, autosomal dominant; SPINAL MUSCULAR ATROPHY, LOWER EXTREMITY-PREDOMINANT, 2A, CHILDHOOD ONSET, AUTOSOMAL DOMINANT. Identifiers: Orphanet 363447, Orphanet 363454, MedGen C4747715, MONDO:0014121, OMIM 615290.

Submissions (2):

Labcorp Genetics (formerly Invitae), Labcorp
Classification: Uncertain significance for Autosomal dominant childhood-onset proximal spinal muscular atrophy with contractures. Last evaluated: 2024-02-23. Review status: criteria provided, single submitter. Criteria: Invitae Variant Classification Sherloc (09022015). Collection method: clinical testing. Allele origin: germline.
Comment: This sequence change replaces histidine, which is basic and polar, with glutamine, which is neutral and polar, at codon 539 of the BICD2 protein (p.His539Gln). This variant is not present in population databases (gnomAD no frequency). This variant has not been reported in the literature in individuals affected with BICD2-related conditions. ClinVar contains an entry for this variant (Variation ID: 1705199). Advanced modeling of protein sequence and biophysical properties (such as structural, functional, and spatial information, amino acid conservation, physicochemical variation, residue mobility, and thermodynamic stability) performed at Invitae indicates that this missense variant is not expected to disrupt BICD2 protein function with a negative predictive value of 80%. In summary, the available evidence is currently insufficient to determine the role of this variant in disease. Therefore, it has been classified as a Variant of Uncertain Significance.

Women's Health and Genetics/Laboratory Corporation of America, LabCorp
Classification: Uncertain significance. Last evaluated: 2022-08-03. Review status: criteria provided, single submitter. Criteria: LabCorp Variant Classification Summary - May 2015. Collection method: clinical testing. Allele origin: germline.
Comment: Variant summary: BICD2 c.1617C>G (p.His539Gln) results in a non-conservative amino acid change in the encoded protein sequence. Three of five in-silico tools predict a damaging effect of the variant on protein function. The variant was absent in 248512 control chromosomes (gnomAD). The available data on variant occurrences in the general population are insufficient to allow any conclusion about variant significance. To our knowledge, no occurrence of c.1617C>G in individuals affected with BICD2-related disorders and no experimental evidence demonstrating its impact on protein function have been reported. No clinical diagnostic laboratories have submitted clinical-significance assessments for this variant to ClinVar after 2014. Based on the evidence outlined above, the variant was classified as uncertain significance.